The following is an entry in ClinVar:

NM_001034853.2(RPGR):c.2819_2837dup (p.Glu947fs)

Gene: RPGR (retinitis pigmentosa GTPase regulator; minus strand). Cytogenetic location: Xp11.4.
Variant type: Duplication.
Coding change: c.2819_2837dup on transcript NM_001034853.2 (MANE Select); coding-DNA positions 2819 to 2837, 19 bases duplicated (AAGGGGAGGATGGAGAAGG).
Protein change: p.Glu947fs; shifts the reading frame from glutamic acid 947.
Molecular consequence: frameshift variant. On other transcripts: intron variant (8).
Genome position (GRCh38, 1-based): chrX:38,286,162-38,286,180, CCTTCTCCATCCTCCCCTT duplicated on the plus strand (AAGGGGAGGATGGAGAAGG on the coding strand, the reverse complement: RPGR is on the minus strand); duplicating any 19 consecutive bases within chrX:38,286,162-38,286,182 gives the same sequence; the c. name uses the placement nearest the transcript's 3' end. VCF-style (leftmost placement, unchanged base first): chrX-38286161-C-CCCTTCTCCATCCTCCCCTT. GRCh37 (hg19) VCF-style: chrX-38145414-C-CCCTTCTCCATCCTCCCCTT.
Other names: c.1569+4779_1569+4797dup (NM_001367249.1, NM_001367250.1); c.1902+914_1902+932dup (NM_001367245.1); c.1386+4779_1386+4797dup (NM_001367251.1); c.1719+914_1719+932dup (NM_001367246.1); c.1572+4779_1572+4797dup (NM_001367247.1); c.1905+914_1905+932dup (NM_000328.3); c.1602+4779_1602+4797dup (NM_001367248.1); short protein forms E947fs.
Identifiers: ClinVar variation 2042969 (VCV002042969.5), dbSNP rs2519786353, ClinGen allele CA2580100849.
Genomic context (GRCh38, chrX:38,286,161, plus strand): 5'-CCCCTCCCCTTCTCCTTCCTCCTCTTCCCCCTCCCATTCTCCTTCCTCCTCTTCCCCCTC[C>CCCTTCTCCATCCTCCCCTT]CCTTCTCCATCCTCCCCTTCCCCTTCTCCTTCCTCCTCTTCCCCCTCCCCTTCTCCTTCC-3'

ClinVar aggregate classification (germline): Pathogenic. Review status: criteria provided, multiple submitters, no conflicts (2 of 4 stars). 2 submissions from 2 submitters: Pathogenic (2). Last evaluated 2023-05-15.

Conditions:
Primary ciliary dyskinesia. Also called: Ciliary dyskinesia. Identifiers: Orphanet 244, MedGen C0008780, MONDO:0016575, HP:0012265.
RPGR-related disorder. Also called: RPGR-related condition.

Submissions (2):

Labcorp Genetics (formerly Invitae), Labcorp
Classification: Pathogenic for Primary ciliary dyskinesia. Last evaluated: 2023-05-15. Review status: criteria provided, single submitter. Criteria: Invitae Variant Classification Sherloc (09022015). Collection method: clinical testing. Allele origin: germline.
Comment: For these reasons, this variant has been classified as Pathogenic. This variant disrupts a region of the RPGR (ORF15) protein in which other variant(s) (p.Leu1130Lysfs*13) have been determined to be pathogenic (PMID: 22264887; Invitae). This suggests that this is a clinically significant region of the protein, and that variants that disrupt it are likely to be disease-causing. ClinVar contains an entry for this variant (Variation ID: 2042969). This variant has not been reported in the literature in individuals affected with RPGR (ORF15)-related conditions. The frequency data for this variant in the population databases is considered unreliable, as metrics indicate insufficient coverage at this position in the gnomAD database. This sequence change creates a premature translational stop signal (p.Glu947Argfs*138) in the RPGR (ORF15) gene. While this is not anticipated to result in nonsense mediated decay, it is expected to disrupt the last 206 amino acid(s) of the RPGR (ORF15) protein.

Blueprint Genetics
Classification: Pathogenic for RPGR-related disorders. Last evaluated: 2021-06-10. Review status: criteria provided, single submitter. Criteria: ACMG Guidelines, 2015. Collection method: clinical testing. Allele origin: germline. Affected: yes. Observed: 1 variant allele.

Literature cited by the submitters: PubMed 22264887 (cited by Labcorp Genetics (formerly Invitae), Labcorp).